The following is an entry in ClinVar:

NM_024301.5(FKRP):c.77G>T (p.Trp26Leu)

Gene: FKRP (fukutin related protein; plus strand). Cytogenetic location: 19q13.32.
Variant type: single nucleotide variant.
Coding change: c.77G>T on transcript NM_024301.5 (MANE Select); coding-DNA position 77, G replaced by T.
Protein change: p.Trp26Leu; replaces tryptophan 26 with leucine.
Molecular consequence: missense variant.
Genome position (GRCh38, 1-based): chr19:46,755,527, G>T. VCF-style: chr19-46755527-G-T. GRCh37 (hg19) VCF-style: chr19-47258784-G-T.
Other names: c.77G>T, p.Trp26Leu (NM_001039885.3); short protein forms W26L.
Identifiers: ClinVar variation 1014987 (VCV001014987.6), dbSNP rs752731569, ClinGen allele CA9532105.

ClinVar aggregate classification (germline): Uncertain significance (1 of 4 stars; one submission).

Conditions:
Walker-Warburg congenital muscular dystrophy. Also called: Muscular dystrophy-dystroglycanopathy, type A; Walker-Warburg syndrome. Identifiers: Orphanet 899, MedGen C0265221, MONDO:0000171.

Allele frequency attached by ClinVar (database versions not stated): TOPMed below 0.00001; ExAC 0.00001; gnomAD 0.00001; gnomAD exomes 0.00001.

Submission:

Labcorp Genetics (formerly Invitae), Labcorp
Classification: Uncertain significance for Walker-Warburg congenital muscular dystrophy. Last evaluated: 2021-08-31. Review status: criteria provided, single submitter. Criteria: Invitae Variant Classification Sherloc (09022015). Collection method: clinical testing. Allele origin: germline.
Comment: This sequence change replaces tryptophan with leucine at codon 26 of the FKRP protein (p.Trp26Leu). The tryptophan residue is moderately conserved and there is a small physicochemical difference between tryptophan and leucine. This variant is present in population databases (rs752731569, ExAC 0.01%). This variant has not been reported in the literature in individuals affected with FKRP-related conditions. Algorithms developed to predict the effect of missense changes on protein structure and function (SIFT, PolyPhen-2, Align-GVGD) all suggest that this variant is likely to be tolerated. In summary, the available evidence is currently insufficient to determine the role of this variant in disease. Therefore, it has been classified as a Variant of Uncertain Significance.